The following is an entry in ClinVar:

ClinVar aggregate classification (germline): Likely benign. Review status: criteria provided, multiple submitters, no conflicts (2 of 4 stars). 3 submissions from 3 submitters: Likely benign (3). Last evaluated 2026-09-01.

Allele frequency attached by ClinVar (database versions not stated): 1000 Genomes Project 0.00040; 1000 Genomes Project 30x 0.00047; TOPMed 0.00186; gnomAD exomes 0.00280.
gnomAD v4.1: 1,013 of 399,098 alleles (0.25%); highest among the groups gnomAD compares: Non-Finnish European, 0.37%; 7 homozygotes.

Submissions (3):

CeGaT Center for Human Genetics Tuebingen
Classification: Likely benign. Last evaluated: 2026-09-01. Review status: criteria provided, single submitter. Criteria: CeGaT Center For Human Genetics Tuebingen Variant Classification Criteria Version 2. Collection method: clinical testing. Allele origin: germline. Affected: yes. Observed: 13 variant alleles.
Comment: SLC12A5: BS2

Laboratory of Genetics, Children's Clinical University Hospital Latvia
Classification: Likely benign. Last evaluated: 2025-02-16. Review status: criteria provided, single submitter. Criteria: ACMG Guidelines, 2015. Collection method: clinical testing. Allele origin: germline. Affected: yes.

Breakthrough Genomics
Classification: Likely benign. Review status: criteria provided, single submitter. Criteria: ACMG Guidelines, 2015. Collection method: not provided. Allele origin: germline. Inheritance: Autosomal recessive inheritance. Affected: yes.

NM_020708.5(SLC12A5):c.*2010G>C

Gene: SLC12A5 (solute carrier family 12 member 5; plus strand). Cytogenetic location: 20q13.12.
Variant type: single nucleotide variant.
Coding change: c.*2010G>C on transcript NM_020708.5 (MANE Select); 2010 bases downstream of the stop codon, G replaced by C.
Molecular consequence: 3 prime UTR variant.
Genome position (GRCh38, 1-based): chr20:46,059,615, G>C. VCF-style: chr20-46059615-G-C. GRCh37 (hg19) VCF-style: chr20-44688254-G-C.
Other names: c.*2010G>C (NM_001134771.2).
Identifiers: ClinVar variation 1675860 (VCV001675860.34), dbSNP rs150067894, ClinGen allele CA315647362.